The following is an entry in ClinVar:

NM_001356.5(DDX3X):c.599A>C (p.Tyr200Ser)

Gene: DDX3X (DEAD-box helicase 3 X-linked; plus strand). Cytogenetic location: Xp11.4.
Variant type: single nucleotide variant.
Coding change: c.599A>C on transcript NM_001356.5 (MANE Select); coding-DNA position 599, A replaced by C.
Protein change: p.Tyr200Ser; replaces tyrosine 200 with serine.
Molecular consequence: missense variant. On other transcripts: non-coding transcript variant (1).
Genome position (GRCh38, 1-based): chrX:41,343,271, A>C. VCF-style: chrX-41343271-A-C. GRCh37 (hg19) VCF-style: chrX-41202524-A-C.
Other names: p.Tyr200Ser; c.599A>C, p.Tyr200Ser (NM_001193416.3); c.551A>C, p.Tyr184Ser (NM_001193417.3); c.41A>C, p.Tyr14Ser (NM_001363819.1); short protein forms Y200S, Y184S, Y14S.
Identifiers: ClinVar variation 4056357 (VCV004056357.1).
Genomic context (GRCh38, chrX:41,343,271, plus strand): 5'-AACAGTTCAGTGATGTTGAGATGGGAGAAATTATCATGGGAAACATTGAGCTTACTCGTT[A>C]TACTCGCCCAACTCCAGTGCAAAAGCATGCTATTCCTATTATCAAAGAGAAAAGAGACTT-3'
Protein context (NP_001347.3, residues 190-210): IIMGNIELTR[Tyr200Ser]TRPTPVQKHA

ClinVar aggregate classification (germline): Likely pathogenic (1 of 4 stars; one submission).

Conditions:
Intellectual disability, X-linked 102 (MRXSSB). Also called: Intellectual developmental disorder, X-linked syndromic, Snijders Blok type. Identifiers: Orphanet 457260, MedGen C5393299, MONDO:0010497, OMIM 300958.

Submission:

Molecular Genetics and NGS Laboratory, Hospital Fundacion Valle Del Lili
Classification: Likely pathogenic for Intellectual disability, X-linked 102. Last evaluated: 2025-07-07. Review status: criteria provided, single submitter. Criteria: ACMG Guidelines, 2015. Collection method: clinical testing. Allele origin: unknown. Inheritance: X-linked inheritance. Affected: yes. Observed: 1 heterozygote.
Comment: Single exome shows a novel missense variant in DDX3X (NM_001356.5) c.599A>C p.Tyr200Ser, in heterozygosity, in exon 7, classified as probably pathogenic according to the criteria of the American College of Medical Genetics and Genomics (PM1, PM2, PM5, PP3).